The following is an entry in ClinVar:

NM_004946.3(DOCK2):c.3056C>T (p.Thr1019Met)

Gene: DOCK2 (dedicator of cytokinesis 2; plus strand). Cytogenetic location: 5q35.1.
Variant type: single nucleotide variant.
Coding change: c.3056C>T on transcript NM_004946.3 (MANE Select); coding-DNA position 3056, C replaced by T.
Protein change: p.Thr1019Met; replaces threonine 1019 with methionine.
Molecular consequence: missense variant. On other transcripts: non-coding transcript variant (1).
Genome position (GRCh38, 1-based): chr5:169,996,148, C>T. VCF-style: chr5-169996148-C-T. GRCh37 (hg19) VCF-style: chr5-169423152-C-T.
Other names: c.3056C>T (NM_004946.2); short protein forms T1019M.
Identifiers: ClinVar variation 1512447 (VCV001512447.7), dbSNP rs368028175, ClinGen allele CA3554079.

ClinVar aggregate classification (germline): Uncertain significance. Review status: criteria provided, multiple submitters, no conflicts (2 of 4 stars). 2 submissions from 2 submitters: Uncertain significance (2). Last evaluated 2025-10-29.

Conditions:
DOCK2 deficiency. Also called: Immunodeficiency 40. Identifiers: Orphanet 447737, MedGen C4225328, MONDO:0014637, OMIM 616433.
Inborn genetic diseases. Identifiers: MedGen C0950123, MeSH D030342.

Allele frequency attached by ClinVar (database versions not stated): ExAC 0.00002; ESP Exome Variant Server 0.00008.
gnomAD v4.1: 32 of 1,613,724 alleles (0.002%); highest among the groups gnomAD compares: East Asian, 0.0045%; no homozygotes.

Submissions (2):

Ambry Genetics
Classification: Uncertain significance for Inborn genetic diseases. Last evaluated: 2025-10-29. Review status: criteria provided, single submitter. Criteria: Ambry Variant Classification Scheme 2023. Collection method: clinical testing. Allele origin: germline.

Labcorp Genetics (formerly Invitae), Labcorp
Classification: Uncertain significance for DOCK2 deficiency. Last evaluated: 2022-08-21. Review status: criteria provided, single submitter. Criteria: Invitae Variant Classification Sherloc (09022015). Collection method: clinical testing. Allele origin: germline.
Comment: This sequence change replaces threonine, which is neutral and polar, with methionine, which is neutral and non-polar, at codon 1019 of the DOCK2 protein (p.Thr1019Met). This variant is present in population databases (rs368028175, gnomAD 0.02%). This variant has not been reported in the literature in individuals affected with DOCK2-related conditions. ClinVar contains an entry for this variant (Variation ID: 1512447). Algorithms developed to predict the effect of missense changes on protein structure and function output the following: SIFT: "Tolerated"; PolyPhen-2: "Benign"; Align-GVGD: "Class C0". The methionine amino acid residue is found in multiple mammalian species, which suggests that this missense change does not adversely affect protein function. In summary, the available evidence is currently insufficient to determine the role of this variant in disease. Therefore, it has been classified as a Variant of Uncertain Significance.